The following is an entry in ClinVar:

ClinVar aggregate classification (germline): Conflicting classifications of pathogenicity. Review status: criteria provided, conflicting classifications (1 of 4 stars). 7 submissions from 7 submitters: Uncertain significance (1); Benign (3); Likely benign (3). Last evaluated 2026-07-28.

Conditions:
Hereditary pheochromocytoma and paraganglioma. Also called: Hereditary paragangliomas and pheochromocytomas; Hereditary Paraganglioma-Pheochromocytoma Syndromes; Hereditary pheochromocytoma-paraganglioma. Identifiers: Orphanet 29072, MedGen C4274332, MONDO:0017366.
Hereditary cancer-predisposing syndrome. Also called: Tumor predisposition; Neoplastic Syndromes, Hereditary; Hereditary Cancer Syndrome; Hereditary neoplastic syndrome. Identifiers: Orphanet 140162, MedGen C0027672, MeSH D009386, MONDO:0015356.

Allele frequency attached by ClinVar (database versions not stated): gnomAD 0.00075 and 0.00082; gnomAD exomes 0.00089 and 0.00031; 1000 Genomes Project 30x 0.00016; TOPMed 0.00005; 1000 Genomes Project 0.00020; ExAC 0.00056.
gnomAD v4.1: 563 of 1,614,134 alleles (0.035%); highest among the groups gnomAD compares: East Asian, 0.0067%; 1 homozygote.

Submissions (7):

Myriad Genetics, Inc.
Classification: Likely benign for Hereditary pheochromocytoma and paraganglioma. Last evaluated: 2026-07-28. Review status: criteria provided, single submitter. Criteria: Myriad Autosomal Dominant, Autosomal Recessive and X-Linked Classification Criteria (2023). Collection method: clinical testing. Allele origin: unknown.
Comment: This variant is considered likely benign. This variant has been observed at a population frequency that is significantly greater than expected given the associated disease prevalence and penetrance.

Labcorp Genetics (formerly Invitae), Labcorp
Classification: Benign for Hereditary pheochromocytoma and paraganglioma. Last evaluated: 2025-11-15. Review status: criteria provided, single submitter. Criteria: Invitae Variant Classification Sherloc (09022015). Collection method: clinical testing. Allele origin: germline.

GeneDx
Classification: Uncertain significance. Last evaluated: 2024-04-05. Review status: criteria provided, single submitter. Criteria: GeneDx Variant Classification Process June 2021. Collection method: clinical testing. Allele origin: germline. Affected: yes.
Comment: In silico analysis supports that this missense variant has a deleterious effect on protein structure/function; Has not been previously published as pathogenic or benign to our knowledge; This variant is associated with the following publications: (PMID: 21156949)

Blueprint Genetics
Classification: Likely benign. Last evaluated: 2024-03-28. Review status: criteria provided, single submitter. Criteria: ACMG Guidelines, 2015. Collection method: clinical testing. Allele origin: germline.

Quest Diagnostics Nichols Institute San Juan Capistrano
Classification: Benign. Last evaluated: 2023-02-23. Review status: criteria provided, single submitter. Criteria: Quest Diagnostics criteria. Collection method: clinical testing. Allele origin: unknown.

Sema4
Classification: Benign for Hereditary cancer-predisposing syndrome. Last evaluated: 2021-08-23. Review status: criteria provided, single submitter. Criteria: Sema4 Curation Guidelines. Collection method: curation. Allele origin: germline.

Ambry Genetics
Classification: Likely benign for Hereditary cancer-predisposing syndrome. Last evaluated: 2019-04-15. Review status: criteria provided, single submitter. Criteria: Ambry Variant Classification Scheme 2023. Collection method: clinical testing. Allele origin: germline.

NM_017849.4(TMEM127):c.572C>T (p.Thr191Met)

Gene: TMEM127 (transmembrane protein 127; minus strand). Cytogenetic location: 2q11.2.
Variant type: single nucleotide variant.
Coding change: c.572C>T on transcript NM_017849.4 (MANE Select); coding-DNA position 572, C replaced by T.
Protein change: p.Thr191Met; replaces threonine 191 with methionine.
Molecular consequence: missense variant.
Genome position (GRCh38, 1-based): chr2:96,253,953, G>A on the plus strand (C>T on the coding strand, the complement: TMEM127 is on the minus strand). VCF-style: chr2-96253953-G-A. GRCh37 (hg19) VCF-style: chr2-96919691-G-A.
Other names: c.572C>T, p.Thr191Met (NM_001193304.3); short protein forms T191M.
Identifiers: ClinVar variation 486539 (VCV000486539.21), dbSNP rs200327514, ClinGen allele CA1777277.